The following is an entry in ClinVar:

ClinVar aggregate classification (germline): Uncertain significance (1 of 4 stars; one submission).

Conditions:
Alstrom syndrome (ALMS). Identifiers: Orphanet 64, MedGen C0268425, MONDO:0008763, OMIM 203800.

Submission:

Labcorp Genetics (formerly Invitae), Labcorp
Classification: Uncertain significance for Alstrom syndrome. Last evaluated: 2024-01-25. Review status: criteria provided, single submitter. Criteria: Invitae Variant Classification Sherloc (09022015). Collection method: clinical testing. Allele origin: germline.
Comment: This sequence change replaces proline, which is neutral and non-polar, with leucine, which is neutral and non-polar, at codon 3131 of the ALMS1 protein (p.Pro3131Leu). This variant is not present in population databases (gnomAD no frequency). This variant has not been reported in the literature in individuals affected with ALMS1-related conditions. Experimental studies and prediction algorithms are not available or were not evaluated, and the functional significance of this variant is currently unknown. In summary, the available evidence is currently insufficient to determine the role of this variant in disease. Therefore, it has been classified as a Variant of Uncertain Significance.

NM_001378454.1(ALMS1):c.9389C>T (p.Pro3130Leu)

Gene: ALMS1 (ALMS1 centrosome and basal body associated protein; plus strand). Cytogenetic location: 2p13.1.
Variant type: single nucleotide variant.
Coding change: c.9389C>T on transcript NM_001378454.1 (MANE Select); coding-DNA position 9389, C replaced by T.
Protein change: p.Pro3130Leu; replaces proline 3130 with leucine.
Molecular consequence: missense variant.
Genome position (GRCh38, 1-based): chr2:73,491,348, C>T. VCF-style: chr2-73491348-C-T. GRCh37 (hg19) VCF-style: chr2-73718475-C-T.
Other names: c.9392C>T, p.Pro3131Leu (NM_015120.4); short protein forms P3131L, P3130L.
Identifiers: ClinVar variation 2727204 (VCV002727204.3), dbSNP rs200586877, ClinGen allele CA347274605.